The following is an entry in ClinVar:

ClinVar aggregate classification (germline): Uncertain significance (1 of 4 stars; one submission).

Conditions:
Charcot-Marie-Tooth disease axonal type 2F (CMT2F). Also called: CHARCOT-MARIE-TOOTH DISEASE, NEURONAL, TYPE 2F; Charcot-Marie-Tooth Neuropathy Type 2F. Identifiers: Orphanet 99940, MedGen C1847823, MONDO:0011687, OMIM 606595.

Allele frequency attached by ClinVar (database versions not stated): gnomAD exomes 0.00001.

Submission:

Labcorp Genetics (formerly Invitae), Labcorp
Classification: Uncertain significance for Charcot-Marie-Tooth disease axonal type 2F. Last evaluated: 2023-07-25. Review status: criteria provided, single submitter. Criteria: Invitae Variant Classification Sherloc (09022015). Collection method: clinical testing. Allele origin: germline.
Comment: Advanced modeling of protein sequence and biophysical properties (such as structural, functional, and spatial information, amino acid conservation, physicochemical variation, residue mobility, and thermodynamic stability) has been performed at Invitae for this missense variant, however the output from this modeling did not meet the statistical confidence thresholds required to predict the impact of this variant on HSPB1 protein function. This variant has not been reported in the literature in individuals affected with HSPB1-related conditions. This variant is present in population databases (no rsID available, gnomAD 0.007%). This sequence change replaces proline, which is neutral and non-polar, with leucine, which is neutral and non-polar, at codon 168 of the HSPB1 protein (p.Pro168Leu). In summary, the available evidence is currently insufficient to determine the role of this variant in disease. Therefore, it has been classified as a Variant of Uncertain Significance.

NM_001540.5(HSPB1):c.503C>T (p.Pro168Leu)

Gene: HSPB1 (heat shock protein family B (small) member 1; plus strand). Cytogenetic location: 7q11.23.
Variant type: single nucleotide variant.
Coding change: c.503C>T on transcript NM_001540.5 (MANE Select); coding-DNA position 503, C replaced by T.
Protein change: p.Pro168Leu; replaces proline 168 with leucine.
Molecular consequence: missense variant.
Genome position (GRCh38, 1-based): chr7:76,304,058, C>T. VCF-style: chr7-76304058-C-T. GRCh37 (hg19) VCF-style: chr7-75933375-C-T.
Other names: short protein forms P168L.
Identifiers: ClinVar variation 3016325 (VCV003016325.3), dbSNP rs1235938787, ClinGen allele CA367766051.